The following is an entry in ClinVar:

ClinVar aggregate classification (germline): Uncertain significance (1 of 4 stars; one submission).

Submission:

Labcorp Genetics (formerly Invitae), Labcorp
Classification: Uncertain significance. Last evaluated: 2025-10-18. Review status: criteria provided, single submitter. Criteria: Invitae Variant Classification Sherloc (09022015). Collection method: clinical testing. Allele origin: germline.
Comment: This sequence change replaces alanine, which is neutral and non-polar, with proline, which is neutral and non-polar, at codon 600 of the TRPV6 protein (p.Ala600Pro). This variant is not present in population databases (gnomAD no frequency). This variant has not been reported in the literature in individuals affected with TRPV6-related conditions. Experimental studies and prediction algorithms are not available or were not evaluated, and the functional significance of this variant is currently unknown. In summary, the available evidence is currently insufficient to determine the role of this variant in disease. Therefore, it has been classified as a Variant of Uncertain Significance.

NM_018646.6(TRPV6):c.1798G>C (p.Ala600Pro)

Gene: TRPV6 (transient receptor potential cation channel subfamily V member 6; minus strand). Cytogenetic location: 7q34.
Variant type: single nucleotide variant.
Coding change: c.1798G>C on transcript NM_018646.6 (MANE Select); coding-DNA position 1798, G replaced by C.
Protein change: p.Ala600Pro; replaces alanine 600 with proline.
Molecular consequence: missense variant.
Genome position (GRCh38, 1-based): chr7:142,873,558, C>G on the plus strand (G>C on the coding strand, the complement: TRPV6 is on the minus strand). VCF-style: chr7-142873558-C-G. GRCh37 (hg19) VCF-style: chr7-142571311-C-G.
Other names: short protein forms A600P.
Identifiers: ClinVar variation 4690412 (VCV004690412.1).